The following is an entry in ClinVar:

NM_000548.5(TSC2):c.664C>G (p.Leu222Val)

Gene: TSC2 (TSC complex subunit 2; plus strand). Cytogenetic location: 16p13.3.
Variant type: single nucleotide variant.
Coding change: c.664C>G on transcript NM_000548.5 (MANE Select); coding-DNA position 664, C replaced by G.
Protein change: p.Leu222Val; replaces leucine 222 with valine.
Molecular consequence: missense variant. On other transcripts: non-coding transcript variant (5), 5 prime UTR variant (10).
Genome position (GRCh38, 1-based): chr16:2,056,659, C>G. VCF-style: chr16-2056659-C-G. GRCh37 (hg19) VCF-style: chr16-2106660-C-G.
Other names: c.664C>G, p.Leu222Val (NM_001406665.1, NM_021055.3, NM_001077183.3 and 6 more transcripts); c.754C>G, p.Leu252Val (NM_001406667.1, NM_001406668.1); c.553C>G, p.Leu185Val (NM_001406670.1, NM_001406678.1, NM_001318827.2); c.652C>G, p.Leu218Val (NM_001406671.1, NM_001406673.1); c.517C>G, p.Leu173Val (NM_001406675.1, NM_001406676.1, NM_001318829.2 and 1 more transcripts); c.607C>G, p.Leu203Val (NM_001406677.1); c.64C>G, p.Leu22Val (NM_001318831.2, NM_001406680.1, NM_001406682.1 and 6 more transcripts); c.697C>G, p.Leu233Val (NM_001318832.2); and 4 more; short protein forms L173V, L68V, L218V, L222V, L185V, L203V, L22V, L233V.
Identifiers: ClinVar variation 5031343 (VCV005031343.1).

ClinVar aggregate classification (germline): Uncertain significance (1 of 4 stars; one submission).

Conditions:
Hereditary cancer-predisposing syndrome. Also called: Neoplastic Syndromes, Hereditary; Tumor predisposition; Hereditary neoplastic syndrome; Hereditary Cancer Syndrome. Identifiers: Orphanet 140162, MedGen C0027672, MeSH D009386, MONDO:0015356.

gnomAD v4.1: 1 of 1,611,502 alleles (0.000062%); highest among the groups gnomAD compares: Non-Finnish European, 0.000085%; no homozygotes.

Submission:

Ambry Genetics
Classification: Uncertain significance for Hereditary cancer-predisposing syndrome. Last evaluated: 2026-07-06. Review status: criteria provided, single submitter. Criteria: Ambry Variant Classification Scheme 2023. Collection method: clinical testing. Allele origin: germline.
Comment: The p.L222V variant (also known as c.664C>G), located in coding exon 7 of the TSC2 gene, results from a C to G substitution at nucleotide position 664. The leucine at codon 222 is replaced by valine, an amino acid with highly similar properties. This amino acid position is conserved. In addition, this alteration is predicted to be deleterious by in silico analysis. Based on the available evidence, the clinical significance of this variant remains unclear.